The following is an entry in ClinVar:

ClinVar aggregate classification (germline): Likely pathogenic (1 of 4 stars; one submission).

Conditions:
Leber congenital amaurosis (LCA). Also called: Leber's amaurosis. Identifiers: Orphanet 65, MedGen C0339527, MeSH D057130, MONDO:0018998.

gnomAD v4.1: 3 of 1,613,966 alleles (0.00019%); highest among the groups gnomAD compares: Non-Finnish European, 0.00025%; no homozygotes.

Submission:

Natera, Inc.
Classification: Likely pathogenic for Leber congenital amaurosis. Last evaluated: 2025-09-30. Review status: criteria provided, single submitter. Criteria: Natera Variant Classification Schema (03/2026). Collection method: clinical testing. Allele origin: germline.
Comment: The c.929G>A variant in CRB1 is a missense variant predicted to cause substitution of cysteine to tyrosine at amino acid 310. This variant is rare in the general population with a frequency below the threshold expected for the associated phenotype(s). This variant has been observed in one or more individuals affected with the associated recessive disease, as either homozygous or compound heterozygous with a second variant (PMID: 20683928, 33579689). This variant has been identified in one or more affected individual with a phenotype highly consistent with the associated gene (PMID: 37792335). Computational prediction algorithms indicate this variant is likely to affect gene or protein function. Given the available evidence, this variant is classified as Likely Pathogenic.

Literature cited by the submitters: PubMed 20683928; PubMed 33579689; PubMed 37792335.

NM_201253.3(CRB1):c.929G>A (p.Cys310Tyr)

Gene: CRB1 (crumbs cell polarity complex component 1; plus strand). Cytogenetic location: 1q31.3.
Variant type: single nucleotide variant.
Coding change: c.929G>A on transcript NM_201253.3 (MANE Select); coding-DNA position 929, G replaced by A.
Protein change: p.Cys310Tyr; replaces cysteine 310 with tyrosine.
Molecular consequence: missense variant. On other transcripts: non-coding transcript variant (2), intron variant (1).
Genome position (GRCh38, 1-based): chr1:197,347,420, G>A. VCF-style: chr1-197347420-G-A. GRCh37 (hg19) VCF-style: chr1-197316550-G-A.
Other names: c.722G>A, p.Cys241Tyr (NM_001257965.2); c.929G>A, p.Cys310Tyr (NM_001257966.2); c.653-9411G>A (NM_001193640.2); short protein forms C241Y, C310Y.
Identifiers: ClinVar variation 4817065 (VCV004817065.1).